The following is an entry in ClinVar:

ClinVar aggregate classification (germline): Uncertain significance (1 of 4 stars; one submission).

Conditions:
Werner syndrome (WRN). Identifiers: Orphanet 902, MedGen C0043119, MONDO:0010196, OMIM 277700.

Submission:

Labcorp Genetics (formerly Invitae), Labcorp
Classification: Uncertain significance for Werner syndrome. Last evaluated: 2020-12-21. Review status: criteria provided, single submitter. Criteria: Invitae Variant Classification Sherloc (09022015). Collection method: clinical testing. Allele origin: germline.
Comment: Nucleotide substitutions within the consensus splice site are a relatively common cause of aberrant splicing (PMID: 17576681, 9536098). Algorithms developed to predict the effect of sequence changes on RNA splicing suggest that this variant may disrupt the consensus splice site, but this prediction has not been confirmed by published transcriptional studies. In summary, the available evidence is currently insufficient to determine the role of this variant in disease. Therefore, it has been classified as a Variant of Uncertain Significance. This variant has not been reported in the literature in individuals with WRN-related conditions. This variant is not present in population databases (ExAC no frequency). This sequence change falls in intron 6 of the WRN gene. It does not directly change the encoded amino acid sequence of the WRN protein. It affects a nucleotide within the consensus splice site of the intron.

Literature cited by the submitters: PubMed 17576681; PubMed 9536098.

NM_000553.6(WRN):c.654+5G>T

Gene: WRN (WRN RecQ like helicase; plus strand). Cytogenetic location: 8p12.
Variant type: single nucleotide variant.
Coding change: c.654+5G>T on transcript NM_000553.6 (MANE Select); 5 bases into the intron after coding-DNA position 654, G replaced by T.
Molecular consequence: intron variant.
Genome position (GRCh38, 1-based): chr8:31,067,187, G>T. VCF-style: chr8-31067187-G-T. GRCh37 (hg19) VCF-style: chr8-30924703-G-T.
Identifiers: ClinVar variation 1417155 (VCV001417155.6), dbSNP rs776917867, ClinGen allele CA2573142717.